The following is an entry in ClinVar:

NM_031885.5(BBS2):c.1669A>C (p.Asn557His)

Gene: BBS2 (Bardet-Biedl syndrome 2; minus strand). Cytogenetic location: 16q13.
Variant type: single nucleotide variant.
Coding change: c.1669A>C on transcript NM_031885.5 (MANE Select); coding-DNA position 1669, A replaced by C.
Protein change: p.Asn557His; replaces asparagine 557 with histidine.
Molecular consequence: missense variant. On other transcripts: non-coding transcript variant (5).
Genome position (GRCh38, 1-based): chr16:56,497,871, T>G on the plus strand (A>C on the coding strand, the complement: BBS2 is on the minus strand). VCF-style: chr16-56497871-T-G. GRCh37 (hg19) VCF-style: chr16-56531783-T-G.
Other names: c.1669A>C, p.Asn557His (NM_001377456.1); short protein forms N557H.
Identifiers: ClinVar variation 3049768 (VCV003049768.2), dbSNP rs1567572599, ClinGen allele CA395976186.

ClinVar aggregate classification (germline): Uncertain significance (0 of 4 stars; one submission).

Conditions:
BBS2-related disorder. Also called: BBS2-related disorders; BBS2-related condition. Identifiers: MedGen CN239228.

Allele frequency attached by ClinVar (database versions not stated): TOPMed below 0.00001; gnomAD 0.00001.
gnomAD v4.1: 2 of 1,610,428 alleles (0.00012%); highest among the groups gnomAD compares: Admixed American, 0.0017%; no homozygotes.

Submission:

PreventionGenetics, part of Exact Sciences
Classification: Uncertain significance for BBS2-related condition. Last evaluated: 2024-01-24. Review status: no assertion criteria provided. Collection method: clinical testing. Allele origin: germline.
Comment: The BBS2 c.1669A>C variant is predicted to result in the amino acid substitution p.Asn557His. To our knowledge, this variant has not been reported in the literature. This variant is reported in 0.12% of alleles in individuals of Latino descent in gnomAD. At this time, the clinical significance of this variant is uncertain due to the absence of conclusive functional and genetic evidence.